The following is an entry in ClinVar:

ClinVar aggregate classification (germline): Uncertain significance. Review status: criteria provided, multiple submitters, no conflicts (2 of 4 stars). 2 submissions from 2 submitters: Uncertain significance (2). Last evaluated 2022-12-19.

Conditions:
Inborn genetic diseases. Identifiers: MedGen C0950123, MeSH D030342.
Hypermethioninemia with deficiency of S-adenosylhomocysteine hydrolase. Identifiers: Orphanet 88618, MedGen C3151058, MONDO:0013404, OMIM 613752.

Allele frequency attached by ClinVar (database versions not stated): gnomAD exomes below 0.00001 and 0.00001.
gnomAD v4.1: 9 of 1,614,004 alleles (0.00056%); highest among the groups gnomAD compares: Non-Finnish European, 0.00076%; no homozygotes.

Submissions (2):

Ambry Genetics
Classification: Uncertain significance for Inborn genetic diseases. Last evaluated: 2022-12-19. Review status: criteria provided, single submitter. Criteria: Ambry Variant Classification Scheme 2023. Collection method: clinical testing. Allele origin: germline.

Labcorp Genetics (formerly Invitae), Labcorp
Classification: Uncertain significance for Hypermethioninemia with deficiency of S-adenosylhomocysteine hydrolase. Last evaluated: 2021-04-22. Review status: criteria provided, single submitter. Criteria: Invitae Variant Classification Sherloc (09022015). Collection method: clinical testing. Allele origin: germline.
Comment: This sequence change replaces isoleucine with valine at codon 337 of the AHCY protein (p.Ile337Val). The isoleucine residue is highly conserved and there is a small physicochemical difference between isoleucine and valine. This variant is not present in population databases (ExAC no frequency). This variant has not been reported in the literature in individuals with AHCY-related conditions. Algorithms developed to predict the effect of missense changes on protein structure and function are either unavailable or do not agree on the potential impact of this missense change (SIFT: "Not Available"; PolyPhen-2: "Benign"; Align-GVGD: "Not Available"). In summary, the available evidence is currently insufficient to determine the role of this variant in disease. Therefore, it has been classified as a Variant of Uncertain Significance.

NM_000687.4(AHCY):c.1009A>G (p.Ile337Val)

Gene: AHCY (adenosylhomocysteinase; minus strand). Cytogenetic location: 20q11.22.
Variant type: single nucleotide variant.
Coding change: c.1009A>G on transcript NM_000687.4 (MANE Select); coding-DNA position 1009, A replaced by G.
Protein change: p.Ile337Val; replaces isoleucine 337 with valine.
Molecular consequence: missense variant.
Genome position (GRCh38, 1-based): chr20:34,285,598, T>C on the plus strand (A>G on the coding strand, the complement: AHCY is on the minus strand). VCF-style: chr20-34285598-T-C. GRCh37 (hg19) VCF-style: chr20-32873404-T-C.
Other names: c.1009A>G (NM_000687.2); c.925A>G, p.Ile309Val (NM_001161766.2, NM_001322084.2, NM_001322085.2); c.1015A>G, p.Ile339Val (NM_001322086.2); c.1009A>G, p.Ile337Val (NM_001362750.2); short protein forms I309V, I339V, I337V.
Identifiers: ClinVar variation 1389466 (VCV001389466.8), dbSNP rs771507250, ClinGen allele CA313345656.